The following is an entry in ClinVar:

NM_000059.4(BRCA2):c.5490C>T (p.Ser1830=)

Gene: BRCA2 (BRCA2 DNA repair associated; plus strand). Cytogenetic location: 13q13.1.
Variant type: single nucleotide variant.
Coding change: c.5490C>T on transcript NM_000059.4 (MANE Select); coding-DNA position 5490, C replaced by T.
Protein change: p.Ser1830=; no amino-acid change (serine 1830 retained).
Molecular consequence: synonymous variant.
Genome position (GRCh38, 1-based): chr13:32,339,845, C>T. VCF-style: chr13-32339845-C-T. GRCh37 (hg19) VCF-style: chr13-32913982-C-T.
Identifiers: ClinVar variation 184431 (VCV000184431.19), dbSNP rs786201459, ClinGen allele CA022426.

ClinVar aggregate classification (germline): Likely benign. Review status: reviewed by expert panel (3 of 4 stars). 6 submissions from 6 submitters: Likely benign (1). 5 of the submissions do not count toward it. Last evaluated 2017-06-29.

Conditions:
BRCA2-related disorder. Also called: BRCA2-related condition; BRCA2-related disorders. Identifiers: MedGen CN239275.
Hereditary cancer-predisposing syndrome. Also called: Tumor predisposition; Hereditary Cancer Syndrome; Hereditary neoplastic syndrome; Neoplastic Syndromes, Hereditary. Identifiers: Orphanet 140162, MedGen C0027672, MeSH D009386, MONDO:0015356.
Hereditary breast ovarian cancer syndrome. Also called: Breast and ovarian cancer; Hereditary breast and ovarian cancer syndrome; Hereditary breast and ovarian cancer; BRCA1- and BRCA2-Associated Hereditary Breast and Ovarian Cancer; Hereditary breast and ovarian cancer syndrome (HBOC); Hereditary breast and/or ovarian cancer syndrome. Identifiers: Orphanet 145, MedGen C0677776, MeSH D061325, MONDO:0003582. Disease mechanism: loss of function.
Breast-ovarian cancer, familial, susceptibility to, 2 (BROVCA2). Also called: BRCA2 Hereditary Breast and Ovarian Cancer. Identifiers: Orphanet 145, MedGen C2675520, MONDO:0012933, OMIM 612555. Disease mechanism: loss of function.

Allele frequency attached by ClinVar (database versions not stated): TOPMed below 0.00001; gnomAD 0.00001.
gnomAD v4.1: 2 of 1,613,642 alleles (0.00012%); highest among the groups gnomAD compares: East Asian, 0.0022%; no homozygotes.

Submissions (6):

Evidence-based Network for the Interpretation of Germline Mutant Alleles (ENIGMA)
Classification: Likely benign for Breast-ovarian cancer, familial, susceptibility to, 2. Last evaluated: 2017-06-29. Review status: reviewed by expert panel. Criteria: ENIGMA BRCA1/2 Classification Criteria (2017-06-29). Collection method: curation. Allele origin: germline.
Comment: Synonymous substitution variant, with low bioinformatic likelihood to result in a splicing aberration (Splicing prior probability 0.02).

Ambry Genetics
Classification: Likely benign for Hereditary cancer-predisposing syndrome. Last evaluated: 2025-01-03. Review status: criteria provided, single submitter. Criteria: Ambry Variant Classification Scheme 2023. Collection method: clinical testing. Allele origin: germline. Not counted in ClinVar's aggregate classification.

Labcorp Genetics (formerly Invitae), Labcorp
Classification: Likely benign for Hereditary breast ovarian cancer syndrome. Last evaluated: 2024-09-21. Review status: criteria provided, single submitter. Criteria: Invitae Variant Classification Sherloc (09022015). Collection method: clinical testing. Allele origin: germline. Not counted in ClinVar's aggregate classification.

Color Diagnostics, LLC DBA Color Health
Classification: Likely benign for Hereditary cancer-predisposing syndrome. Last evaluated: 2022-07-07. Review status: criteria provided, single submitter. Criteria: ACMG Guidelines, 2015. Collection method: clinical testing. Allele origin: germline. Not counted in ClinVar's aggregate classification.

Quest Diagnostics Nichols Institute San Juan Capistrano
Classification: Likely benign. Last evaluated: 2018-04-20. Review status: criteria provided, single submitter. Criteria: Quest Diagnostics criteria. Collection method: clinical testing. Allele origin: germline. Not counted in ClinVar's aggregate classification.

PreventionGenetics, part of Exact Sciences
Classification: Likely benign for BRCA2-related condition. Last evaluated: 2020-06-30. Review status: no assertion criteria provided. Collection method: clinical testing. Allele origin: germline. Not counted in ClinVar's aggregate classification.
Comment: This variant is classified as likely benign based on ACMG/AMP sequence variant interpretation guidelines (Richards et al. 2015 PMID: 25741868, with internal and published modifications).

Literature cited by the submitters: PubMed 22713736 (cited by Ambry Genetics).